The following is an entry in ClinVar:

NM_001393530.1(MATN4):c.890-10C>T

Gene: MATN4 (matrilin 4; minus strand). Cytogenetic location: 20q13.12.
Variant type: single nucleotide variant.
Coding change: c.890-10C>T on transcript NM_001393530.1 (MANE Select); 10 bases into the intron before coding-DNA position 890, C replaced by T.
Molecular consequence: intron variant.
Genome position (GRCh38, 1-based): chr20:45,301,019, G>A on the plus strand (C>T on the coding strand, the complement: MATN4 is on the minus strand). VCF-style: chr20-45301019-G-A. GRCh37 (hg19) VCF-style: chr20-43929659-G-A.
Other names: c.890-10C>T (NM_003833.5, NM_001393531.1); c.644-10C>T (NM_030592.4); c.767-10C>T (NM_030590.4).
Identifiers: ClinVar variation 3059621 (VCV003059621.2), dbSNP rs2076023, ClinGen allele CA9876093.

ClinVar aggregate classification (germline): Benign (0 of 4 stars; one submission).

Conditions:
MATN4-related disorder. Also called: MATN4-related condition.

Allele frequency attached by ClinVar (database versions not stated): 1000 Genomes Project 0.21805; 1000 Genomes Project 30x 0.22470; ExAC 0.23120; gnomAD exomes 0.24336; ESP Exome Variant Server 0.25142; gnomAD 0.25238.

Submission:

PreventionGenetics, part of Exact Sciences
Classification: Benign for MATN4-related condition. Last evaluated: 2023-07-24. Review status: no assertion criteria provided. Collection method: clinical testing. Allele origin: germline.
Comment: This variant is classified as benign based on ACMG/AMP sequence variant interpretation guidelines (Richards et al. 2015 PMID: 25741868, with internal and published modifications).